The following is an entry in ClinVar:

ClinVar aggregate classification (germline): Uncertain significance. Review status: criteria provided, multiple submitters, no conflicts (2 of 4 stars). 5 submissions from 5 submitters: Uncertain significance (5). Last evaluated 2025-12-16.

Conditions:
Hereditary cancer-predisposing syndrome. Also called: Neoplastic Syndromes, Hereditary; Hereditary neoplastic syndrome; Tumor predisposition; Hereditary Cancer Syndrome. Identifiers: Orphanet 140162, MedGen C0027672, MeSH D009386, MONDO:0015356.
Renal cell carcinoma. Identifiers: Orphanet 217071, MedGen C0007134, MeSH D002292, MONDO:0005086, HP:0005584.
Autosomal recessive nonsyndromic hearing loss 97. Also called: Deafness, autosomal recessive 97. Identifiers: Orphanet 90636, MedGen C4084709, MONDO:0014739, OMIM 616705.

Allele frequency attached by ClinVar (database versions not stated): ExAC 0.00001; gnomAD 0.00001 and 0.00002; gnomAD exomes 0.00001; TOPMed 0.00004.

Submissions (5):

Ambry Genetics
Classification: Uncertain significance for Hereditary cancer-predisposing syndrome. Last evaluated: 2025-12-16. Review status: criteria provided, single submitter. Criteria: Ambry Variant Classification Scheme 2023. Collection method: clinical testing. Allele origin: germline.
Comment: The p.R469Q variant (also known as c.1406G>A), located in coding exon 3 of the MET gene, results from a G to A substitution at nucleotide position 1406. The arginine at codon 469 is replaced by glutamine, an amino acid with highly similar properties. This amino acid position is highly conserved in available vertebrate species. In addition, the in silico prediction for this alteration is inconclusive. Since supporting evidence is limited at this time, the clinical significance of this alteration remains unclear.

Labcorp Genetics (formerly Invitae), Labcorp
Classification: Uncertain significance for Renal cell carcinoma. Last evaluated: 2025-11-05. Review status: criteria provided, single submitter. Criteria: Invitae Variant Classification Sherloc (09022015). Collection method: clinical testing. Allele origin: germline.
Comment: This sequence change replaces arginine, which is basic and polar, with glutamine, which is neutral and polar, at codon 469 of the MET protein (p.Arg469Gln). This variant is present in population databases (rs752842662, gnomAD 0.007%). This variant has not been reported in the literature in individuals affected with MET-related conditions. ClinVar contains an entry for this variant (Variation ID: 581580). Invitae Evidence Modeling of protein sequence and biophysical properties (such as structural, functional, and spatial information, amino acid conservation, physicochemical variation, residue mobility, and thermodynamic stability) has been performed for this missense variant. However, the output from this modeling did not meet the statistical confidence thresholds required to predict the impact of this variant on MET protein function. In summary, the available evidence is currently insufficient to determine the role of this variant in disease. Therefore, it has been classified as a Variant of Uncertain Significance.

Baylor Genetics
Classification: Uncertain significance for Autosomal recessive nonsyndromic hearing loss 97. Last evaluated: 2023-08-05. Review status: criteria provided, single submitter. Criteria: ACMG Guidelines, 2015. Collection method: clinical testing. Allele origin: unknown.

GeneDx
Classification: Uncertain significance. Last evaluated: 2023-04-12. Review status: criteria provided, single submitter. Criteria: GeneDx Variant Classification Process June 2021. Collection method: clinical testing. Allele origin: germline. Affected: yes.
Comment: Not observed at significant frequency in large population cohorts (gnomAD); In silico analysis supports that this missense variant has a deleterious effect on protein structure/function; Has not been previously published as pathogenic or benign to our knowledge; This variant is associated with the following publications: (PMID: 33685866)

Eurofins Ntd Llc (ga)
Classification: Uncertain significance. Last evaluated: 2018-04-10. Review status: criteria provided, single submitter. Criteria: EGL ClinVar v180209 classification definitions. Collection method: clinical testing. Allele origin: germline. Observed: 1 variant allele, 1 heterozygote.

NM_000245.4(MET):c.1406G>A (p.Arg469Gln)

Gene: MET (MET proto-oncogene, receptor tyrosine kinase; plus strand). Cytogenetic location: 7q31.2.
Variant type: single nucleotide variant.
Coding change: c.1406G>A on transcript NM_000245.4 (MANE Select); coding-DNA position 1406, G replaced by A.
Protein change: p.Arg469Gln; replaces arginine 469 with glutamine.
Molecular consequence: missense variant.
Genome position (GRCh38, 1-based): chr7:116,739,963, G>A. VCF-style: chr7-116739963-G-A. GRCh37 (hg19) VCF-style: chr7-116380017-G-A.
Other names: c.1406G>A, p.Arg469Gln (NM_001127500.3, NM_001324401.3); c.116G>A, p.Arg39Gln (NM_001324402.2); short protein forms R469Q, R39Q.
Identifiers: ClinVar variation 581580 (VCV000581580.21), dbSNP rs752842662, ClinGen allele CA4448160.